The following is an entry in ClinVar:

ClinVar aggregate classification (germline): Conflicting classifications of pathogenicity. Review status: criteria provided, conflicting classifications (1 of 4 stars). 6 submissions from 6 submitters: Uncertain significance (1); Likely benign (5). Last evaluated 2026-01-15.

Conditions:
Neuroblastoma (NB). Identifiers: Orphanet 635, MedGen C0027819, MeSH D009447, MONDO:0005072, HP:0003006.
Charcot-Marie-Tooth disease type 2. Also called: Charcot-Marie-Tooth type 2. Identifiers: Orphanet 64746, MedGen C0270914, MONDO:0018993.
Charcot-Marie-Tooth disease. Also called: Charcot-Marie-Tooth Neuropathy; Charcot-Marie-Tooth Hereditary Neuropathy. Identifiers: Orphanet 166, MedGen C0007959, MONDO:0015626.

Allele frequency attached by ClinVar (database versions not stated): gnomAD 0.00012 and 0.00011; ExAC 0.00013; gnomAD exomes 0.00010 and 0.00011; TOPMed 0.00010.
gnomAD v4.1: 156 of 1,613,274 alleles (0.0097%); highest among the groups gnomAD compares: Non-Finnish European, 0.013%; no homozygotes.

Submissions (6):

Labcorp Genetics (formerly Invitae), Labcorp
Classification: Likely benign for Charcot-Marie-Tooth disease type 2. Last evaluated: 2026-01-15. Review status: criteria provided, single submitter. Criteria: Invitae Variant Classification Sherloc (09022015). Collection method: clinical testing. Allele origin: germline.

CeGaT Center for Human Genetics Tuebingen
Classification: Likely benign. Last evaluated: 2025-10-01. Review status: criteria provided, single submitter. Criteria: CeGaT Center For Human Genetics Tuebingen Variant Classification Criteria Version 2. Collection method: clinical testing. Allele origin: germline. Affected: yes. Observed: 3 variant alleles.
Comment: KIF1B: BP4, BP7

Women's Health and Genetics/Laboratory Corporation of America, LabCorp
Classification: Likely benign. Last evaluated: 2025-06-05. Review status: criteria provided, single submitter. Criteria: LabCorp Variant Classification Summary - May 2015. Collection method: clinical testing. Allele origin: germline.

Ambry Genetics
Classification: Likely benign. Last evaluated: 2020-09-14. Review status: criteria provided, single submitter. Criteria: Ambry Variant Classification Scheme 2023. Collection method: clinical testing. Allele origin: germline.

Illumina Laboratory Services, Illumina
Classification: Uncertain significance for Neuroblastoma. Last evaluated: 2018-01-13. Review status: criteria provided, single submitter. Criteria: ICSL Variant Classification Criteria 13 December 2019. Collection method: clinical testing. Allele origin: germline.

Molecular Genetics Laboratory, London Health Sciences Centre
Classification: Likely benign for Charcot-Marie-Tooth disease. Review status: criteria provided, single submitter. Criteria: ACMG Guidelines, 2015. Collection method: clinical testing. Allele origin: germline. Affected: yes.

NM_001365951.3(KIF1B):c.2934T>G (p.Val978=)

Gene: KIF1B (kinesin family member 1B; plus strand). Cytogenetic location: 1p36.22.
Variant type: single nucleotide variant.
Coding change: c.2934T>G on transcript NM_001365951.3 (MANE Select); coding-DNA position 2934, T replaced by G.
Protein change: p.Val978=; no amino-acid change (valine 978 retained).
Molecular consequence: synonymous variant.
Genome position (GRCh38, 1-based): chr1:10,334,529, T>G. VCF-style: chr1-10334529-T-G. GRCh37 (hg19) VCF-style: chr1-10394587-T-G.
Other names: c.2934T>G, p.Val978= (NM_001365952.1); c.2796T>G, p.Val932= (NM_015074.3).
Identifiers: ClinVar variation 699521 (VCV000699521.35), dbSNP rs749154726, ClinGen allele CA581650.